The following is an entry in ClinVar:

NM_002427.4(MMP13):c.*314T>C

Gene: MMP13 (matrix metallopeptidase 13; minus strand). Cytogenetic location: 11q22.2.
Variant type: single nucleotide variant.
Coding change: c.*314T>C on transcript NM_002427.4 (MANE Select); 314 bases downstream of the stop codon, T replaced by C.
Molecular consequence: 3 prime UTR variant.
Genome position (GRCh38, 1-based): chr11:102,943,952, A>G on the plus strand (T>C on the coding strand, the complement: MMP13 is on the minus strand). VCF-style: chr11-102943952-A-G. GRCh37 (hg19) VCF-style: chr11-102814681-A-G.
Identifiers: ClinVar variation 301970 (VCV000301970.9), dbSNP rs17860584, ClinGen allele CA10636839.
Genomic context (GRCh38, chr11:102,943,952, plus strand): 5'-GATTTATTCATTATATGCATGTATTTACTTTATGCCCTTGTAAAATTTCCTTATAAATAT[A>G]TTTTTAAATTATGCTCTCATTGACAGACCATGTGTCCCATTTGTGGTGTGGGAAGTATCA-3'

ClinVar aggregate classification (germline): Benign/Likely benign. Review status: criteria provided, multiple submitters, no conflicts (2 of 4 stars). 4 submissions from 3 submitters: Benign (2); Likely benign (2). Last evaluated 2019-04-12.

Conditions:
Spondyloepimetaphyseal dysplasia, Missouri type. Identifiers: Orphanet 1040, Orphanet 93356, MedGen C1865832, MONDO:0011198, OMIM 602111.
Metaphyseal anadysplasia. Also called: Early-onset regressive form of metaphyseal dysplasia. Identifiers: Orphanet 1040, MedGen C0432226, MONDO:0015177.

Allele frequency attached by ClinVar (database versions not stated): 1000 Genomes Project 30x 0.03076; gnomAD 0.03109 and 0.03199; TOPMed 0.03202; gnomAD exomes 0.04328; 1000 Genomes Project 0.03075.
gnomAD v4.1: 10,265 of 274,426 alleles (3.7%); highest among the groups gnomAD compares: South Asian, 5.6%; 260 homozygotes.

Submissions (4):

GeneDx
Classification: Likely benign. Last evaluated: 2019-04-12. Review status: criteria provided, single submitter. Criteria: GeneDx Variant Classification Process June 2021. Collection method: clinical testing. Allele origin: germline. Affected: yes.

Illumina Laboratory Services, Illumina
Classification: Benign for Metaphyseal anadysplasia. Last evaluated: 2018-01-13. Review status: criteria provided, single submitter. Criteria: ICSL Variant Classification Criteria 13 December 2019. Collection method: clinical testing. Allele origin: germline.
Comment: This variant was observed in the ICSL laboratory as part of a predisposition screen in an ostensibly healthy population. It had not been previously curated by ICSL or reported in the Human Gene Mutation Database (HGMD: prior to June 1st, 2018), and was therefore a candidate for classification through an automated scoring system. Utilizing variant allele frequency, disease prevalence and penetrance estimates, and inheritance mode, an automated score was calculated to assess if this variant is too frequent to cause the disease. Based on the score and internal cut-off values, a variant classified as benign is not then subjected to further curation. The score for this variant resulted in a classification of benign for this disease.

Illumina Laboratory Services, Illumina
Classification: Benign for Spondyloepimetaphyseal dysplasia, Missouri type. Last evaluated: 2018-01-13. Review status: criteria provided, single submitter. Criteria: ICSL Variant Classification Criteria 13 December 2019. Collection method: clinical testing. Allele origin: germline.
Comment: the same text as in the submission from Illumina Laboratory Services, Illumina above.

Breakthrough Genomics
Classification: Likely benign. Review status: criteria provided, single submitter. Criteria: ACMG Guidelines, 2015. Collection method: not provided. Allele origin: germline. Inheritance: Autosomal recessive inheritance. Affected: yes.